The following is an entry in ClinVar:

NM_030882.4(APOL2):c.158G>A (p.Arg53His)

Gene: APOL2 (apolipoprotein L2; minus strand). Cytogenetic location: 22q12.3.
Variant type: single nucleotide variant.
Coding change: c.158G>A on transcript NM_030882.4 (MANE Select); coding-DNA position 158, G replaced by A.
Protein change: p.Arg53His; replaces arginine 53 with histidine.
Molecular consequence: missense variant.
Genome position (GRCh38, 1-based): chr22:36,228,260, C>T on the plus strand (G>A on the coding strand, the complement: APOL2 is on the minus strand). VCF-style: chr22-36228260-C-T. GRCh37 (hg19) VCF-style: chr22-36624306-C-T.
Other names: c.158G>A, p.Arg53His (NM_145637.3); short protein forms R53H.
Identifiers: ClinVar variation 2562093 (VCV002562093.4), dbSNP rs749979854, ClinGen allele CA10208177.
Genomic context (GRCh38, chr22:36,228,260, plus strand): 5'-TTATCGTGGCGGTTTTTGTCCTTCATGACCATGTGACTTGCAAGCTTGTTCAGAGCTTTA[C>T]GGAGCTCATCTGCCTCATCCCTGCACAAGGAAAGGTTAAAGGATTAAGAAATGCAGTTTC-3'
Protein context (NP_112092.2, residues 43-63): ELPRDEADEL[Arg53His]KALNKLASHM

ClinVar aggregate classification (germline): Uncertain significance. Review status: criteria provided, multiple submitters, no conflicts (2 of 4 stars). 2 submissions from 2 submitters: Uncertain significance (2). Last evaluated 2025-12-30.

gnomAD v4.1: 83 of 1,613,726 alleles (0.0051%); highest among the groups gnomAD compares: Middle Eastern, 0.033%; no homozygotes.

Submissions (2):

Women's Health and Genetics/Laboratory Corporation of America, LabCorp
Classification: Uncertain significance. Last evaluated: 2025-12-30. Review status: criteria provided, single submitter. Criteria: LabCorp Variant Classification Summary - May 2015. Collection method: clinical testing. Allele origin: germline.
Comment: Variant summary: APOL2 c.158G>A (p.Arg53His) results in a non-conservative amino acid change in the encoded protein sequence. Algorithms developed to predict the effect of missense changes on protein structure and function are either unavailable or do not agree on the potential impact of this missense change. The variant allele was found at a frequency of 3.2e-05 in 249072 control chromosomes. The available data on variant occurrences in the general population are insufficient to allow any conclusion about variant significance. To our knowledge, no occurrence of c.158G>A in individuals affected with APOL2-related conditions and no experimental evidence demonstrating its impact on protein function have been reported. ClinVar contains an entry for this variant (Variation ID: 2562093). Based on the evidence outlined above, the variant was classified as uncertain significance.

Ambry Genetics
Classification: Uncertain significance. Last evaluated: 2025-04-29. Review status: criteria provided, single submitter. Criteria: Ambry Variant Classification Scheme 2023. Collection method: clinical testing. Allele origin: germline.